The following is an entry in ClinVar:

NM_203447.4(DOCK8):c.39G>T (p.Ala13=)

Genes: DOCK8 (dedicator of cytokinesis 8; plus strand), DOCK8-AS1 (DOCK8 antisense RNA 1; minus strand), LOC130001437 (ATAC-STARR-seq lymphoblastoid silent region 19722; plus strand). Cytogenetic location: 9p24.3.
Variant type: single nucleotide variant.
Coding change: c.39G>T on transcript NM_203447.4 (MANE Select); coding-DNA position 39, G replaced by T.
Protein change: p.Ala13=; no amino-acid change (alanine 13 retained).
Molecular consequence: synonymous variant. On other transcripts: non-coding transcript variant (1).
Genome position (GRCh38, 1-based): chr9:215,015, G>T. VCF-style: chr9-215015-G-T. GRCh37 (hg19) VCF-style: chr9-215015-G-T.
Identifiers: ClinVar variation 2628382 (VCV002628382.1), dbSNP rs773286453, ClinGen allele CA372755752.

ClinVar aggregate classification (germline): Uncertain significance (1 of 4 stars; one submission).

Conditions:
DOCK8-related disorder. Also called: DOCK8-related condition.

gnomAD v4.1: 1 of 1,591,170 alleles (0.000063%); highest among the groups gnomAD compares: Admixed American, 0.0017%; no homozygotes.

Submission:

PreventionGenetics, part of Exact Sciences
Classification: Uncertain significance for DOCK8-related condition. Last evaluated: 2022-10-12. Review status: criteria provided, single submitter. Criteria: ACMG Guidelines, 2015. Collection method: clinical testing. Allele origin: germline.
Comment: The DOCK8 c.39G>T variant is not predicted to result in an amino acid change (p.=). To our knowledge, this variant has not been reported in the literature or in a large population database, indicating this variant is rare. At this time, the clinical significance of this variant is uncertain due to the absence of conclusive functional and genetic evidence.